The following is an entry in ClinVar:

ClinVar aggregate classification (germline): Uncertain significance. Review status: criteria provided, multiple submitters, no conflicts (2 of 4 stars). 2 submissions from 2 submitters: Uncertain significance (2). Last evaluated 2025-05-28.

Conditions:
Inborn genetic diseases. Identifiers: MedGen C0950123, MeSH D030342.

Allele frequency attached by ClinVar (database versions not stated): gnomAD exomes below 0.00001.
gnomAD v4.1: 2 of 1,554,724 alleles (0.00013%); highest among the groups gnomAD compares: Admixed American, 0.0019%; no homozygotes.

Submissions (2):

Ambry Genetics
Classification: Uncertain significance for Inborn genetic diseases. Last evaluated: 2025-05-28. Review status: criteria provided, single submitter. Criteria: Ambry Variant Classification Scheme 2023. Collection method: clinical testing. Allele origin: germline.

Labcorp Genetics (formerly Invitae), Labcorp
Classification: Uncertain significance. Last evaluated: 2023-08-25. Review status: criteria provided, single submitter. Criteria: Invitae Variant Classification Sherloc (09022015). Collection method: clinical testing. Allele origin: germline.
Comment: An algorithm developed to predict the effect of missense changes on protein structure and function (PolyPhen-2) suggests that this variant is likely to be tolerated. In summary, the available evidence is currently insufficient to determine the role of this variant in disease. Therefore, it has been classified as a Variant of Uncertain Significance. This variant has not been reported in the literature in individuals affected with KMT2E-related conditions. This variant is present in population databases (no rsID available, gnomAD 0.004%). This sequence change replaces glutamic acid, which is acidic and polar, with glycine, which is neutral and non-polar, at codon 968 of the KMT2E protein (p.Glu968Gly).

NM_182931.3(KMT2E):c.2903A>G (p.Glu968Gly)

Gene: KMT2E (lysine methyltransferase 2E (inactive); plus strand). Cytogenetic location: 7q22.3.
Variant type: single nucleotide variant.
Coding change: c.2903A>G on transcript NM_182931.3 (MANE Select); coding-DNA position 2903, A replaced by G.
Protein change: p.Glu968Gly; replaces glutamic acid 968 with glycine.
Molecular consequence: missense variant.
Genome position (GRCh38, 1-based): chr7:105,107,221, A>G. VCF-style: chr7-105107221-A-G. GRCh37 (hg19) VCF-style: chr7-104747668-A-G.
Other names: c.2903A>G, p.Glu968Gly (NM_001410908.1, NM_018682.4); c.2903A>G (NM_182931.2); short protein forms E968G.
Identifiers: ClinVar variation 2879380 (VCV002879380.4), dbSNP rs1405370660, ClinGen allele CA368788010.